The following is an entry in ClinVar:

ClinVar aggregate classification (germline): Uncertain significance (1 of 4 stars; one submission).

Allele frequency attached by ClinVar (database versions not stated): gnomAD 0.00001; gnomAD exomes 0.00001 and 0.00004; TOPMed 0.00001; ExAC 0.00008.

Submission:

Labcorp Genetics (formerly Invitae), Labcorp
Classification: Uncertain significance. Last evaluated: 2026-01-26. Review status: criteria provided, single submitter. Criteria: Invitae Variant Classification Sherloc (09022015). Collection method: clinical testing. Allele origin: germline.
Comment: This sequence change replaces aspartic acid, which is acidic and polar, with glycine, which is neutral and non-polar, at codon 24 of the RNF31 protein (p.Asp24Gly). This variant is present in population databases (rs777461271, gnomAD 0.04%). This variant has not been reported in the literature in individuals affected with RNF31-related conditions. ClinVar contains an entry for this variant (Variation ID: 1521457). An algorithm developed to predict the effect of missense changes on protein structure and function (PolyPhen-2) suggests that this variant is likely to be tolerated. In summary, the available evidence is currently insufficient to determine the role of this variant in disease. Therefore, it has been classified as a Variant of Uncertain Significance.

NM_017999.5(RNF31):c.71A>G (p.Asp24Gly)

Gene: RNF31 (ring finger protein 31; plus strand). Cytogenetic location: 14q12.
Variant type: single nucleotide variant.
Coding change: c.71A>G on transcript NM_017999.5 (MANE Select); coding-DNA position 71, A replaced by G.
Protein change: p.Asp24Gly; replaces aspartic acid 24 with glycine.
Molecular consequence: missense variant. On other transcripts: intron variant (1).
Genome position (GRCh38, 1-based): chr14:24,147,769, A>G. VCF-style: chr14-24147769-A-G. GRCh37 (hg19) VCF-style: chr14-24616978-A-G.
Other names: c.-325-207A>G (NM_001310332.2); short protein forms D24G.
Identifiers: ClinVar variation 1521457 (VCV001521457.8), dbSNP rs777461271, ClinGen allele CA7125354.